The following is an entry in ClinVar:

NM_001042492.3(NF1):c.452A>T (p.Asn151Ile)

Gene: NF1 (neurofibromin 1; plus strand). Cytogenetic location: 17q11.2.
Variant type: single nucleotide variant.
Coding change: c.452A>T on transcript NM_001042492.3 (MANE Select); coding-DNA position 452, A replaced by T.
Protein change: p.Asn151Ile; replaces asparagine 151 with isoleucine.
Molecular consequence: missense variant.
Genome position (GRCh38, 1-based): chr17:31,163,349, A>T. VCF-style: chr17-31163349-A-T. GRCh37 (hg19) VCF-style: chr17-29490367-A-T.
Other names: c.452A>T, p.Asn151Ile (NM_000267.4, NM_001128147.3); short protein forms N151I.
Identifiers: ClinVar variation 2677183 (VCV002677183.2), dbSNP rs1567817981, ClinGen allele CA398982082.

ClinVar aggregate classification (germline): Uncertain significance. Review status: criteria provided, multiple submitters, no conflicts (2 of 4 stars). 2 submissions from 2 submitters: Uncertain significance (2). Last evaluated 2024-10-05.

Conditions:
Cardiovascular phenotype. Identifiers: MedGen CN230736.
Hereditary cancer-predisposing syndrome. Also called: Neoplastic Syndromes, Hereditary; Tumor predisposition; Hereditary Cancer Syndrome; Hereditary neoplastic syndrome. Identifiers: Orphanet 140162, MedGen C0027672, MeSH D009386, MONDO:0015356.
Juvenile myelomonocytic leukemia (JMML). Also called: LEUKEMIA, JUVENILE MYELOMONOCYTIC, SOMATIC. Identifiers: Orphanet 86834, MedGen C0349639, MONDO:0011908, OMIM 607785, HP:0012209.

Submissions (2):

Ambry Genetics
Classification: Uncertain significance for Cardiovascular phenotype; Hereditary cancer-predisposing syndrome. Last evaluated: 2024-10-05. Review status: criteria provided, single submitter. Criteria: Ambry Variant Classification Scheme 2023. Collection method: clinical testing. Allele origin: germline.
Comment: The p.N151I variant (also known as c.452A>T), located in coding exon 4 of the NF1 gene, results from an A to T substitution at nucleotide position 452. The asparagine at codon 151 is replaced by isoleucine, an amino acid with dissimilar properties. This amino acid position is highly conserved in available vertebrate species. In addition, this alteration is predicted to be deleterious by in silico analysis. Based on the available evidence, the clinical significance of this variant remains unclear.

Baylor Genetics
Classification: Uncertain significance for Juvenile myelomonocytic leukemia. Last evaluated: 2023-09-23. Review status: criteria provided, single submitter. Criteria: ACMG Guidelines, 2015. Collection method: clinical testing. Allele origin: unknown.